The following is an entry in ClinVar:

ClinVar aggregate classification (germline): Uncertain significance (1 of 4 stars; one submission).

Conditions:
Developmental and epileptic encephalopathy, 36 (DEE36). Also called: ALG13-CDG; Congenital disorder of glycosylation, type Is; Epileptic encephalopathy, early infantile, 36. Identifiers: Orphanet 324422, MedGen C4317295, MONDO:0010472, OMIM 300884.

Submission:

Juno Genomics, Hangzhou Juno Genomics, Inc
Classification: Uncertain significance for Developmental and epileptic encephalopathy, 36. Review status: criteria provided, single submitter. Criteria: ACMG Guidelines, 2015. Collection method: clinical testing. Allele origin: germline.
Comment: Absent from controls (or at extremely low frequency if recessive) in Genome Aggregation Database.

NM_001099922.3(ALG13):c.2561C>T (p.Ser854Phe)

Gene: ALG13 (ALG13 UDP-N-acetylglucosaminyltransferase subunit; plus strand). Cytogenetic location: Xq23.
Variant type: single nucleotide variant.
Coding change: c.2561C>T on transcript NM_001099922.3 (MANE Select); coding-DNA position 2561, C replaced by T.
Protein change: p.Ser854Phe; replaces serine 854 with phenylalanine.
Molecular consequence: missense variant. On other transcripts: non-coding transcript variant (1).
Genome position (GRCh38, 1-based): chrX:111,736,745, C>T. VCF-style: chrX-111736745-C-T. GRCh37 (hg19) VCF-style: chrX-110979973-C-T.
Other names: c.2249C>T, p.Ser750Phe (NM_001257230.2, NM_001257234.2, NM_001257237.2); c.2327C>T, p.Ser776Phe (NM_001257231.2); c.2561C>T, p.Ser854Phe (NM_001324292.2); c.2075C>T, p.Ser692Phe (NM_001324293.1); short protein forms S692F, S750F, S776F, S854F.
Identifiers: ClinVar variation 5018856 (VCV005018856.2).